The following is an entry in ClinVar:

NM_130384.3(ATRIP):c.1366G>T (p.Val456Leu)

Genes: ATRIP (ATR interacting protein; plus strand), ATRIP-TREX1 (ATRIP-TREX1 readthrough; plus strand). Cytogenetic location: 3p21.31.
Variant type: single nucleotide variant.
Coding change: c.1366G>T on transcript NM_130384.3 (MANE Select); coding-DNA position 1366, G replaced by T.
Protein change: p.Val456Leu; replaces valine 456 with leucine.
Molecular consequence: missense variant. On other transcripts: non-coding transcript variant (1).
Genome position (GRCh38, 1-based): chr3:48,460,420, G>T. VCF-style: chr3-48460420-G-T. GRCh37 (hg19) VCF-style: chr3-48501819-G-T.
Other names: c.985G>T, p.Val329Leu (NM_001271022.2); c.1087G>T, p.Val363Leu (NM_001271023.2); c.1366G>T, p.Val456Leu (NM_032166.4); short protein forms V329L, V363L, V456L.
Identifiers: ClinVar variation 3809403 (VCV003809403.1).

ClinVar aggregate classification (germline): Uncertain significance (1 of 4 stars; one submission).

Submission:

Ambry Genetics
Classification: Uncertain significance. Last evaluated: 2024-12-30. Review status: criteria provided, single submitter. Criteria: Ambry Variant Classification Scheme 2023. Collection method: clinical testing. Allele origin: germline.
Comment: The p.V456L variant (also known as c.1366G>T), located in coding exon 8 of the ATRIP gene, results from a G to T substitution at nucleotide position 1366. The valine at codon 456 is replaced by leucine, an amino acid with highly similar properties. This amino acid position is conserved. In addition, this alteration is predicted to be tolerated by in silico analysis. Based on the available evidence, the clinical significance of this variant remains unclear.